The following is an entry in ClinVar:

NM_000036.3(AMPD1):c.224G>A (p.Arg75His)

Gene: AMPD1 (adenosine monophosphate deaminase 1; minus strand). Cytogenetic location: 1p13.2.
Variant type: single nucleotide variant.
Coding change: c.224G>A on transcript NM_000036.3 (MANE Select); coding-DNA position 224, G replaced by A.
Protein change: p.Arg75His; replaces arginine 75 with histidine.
Molecular consequence: missense variant.
Genome position (GRCh38, 1-based): chr1:114,686,902, C>T on the plus strand (G>A on the coding strand, the complement: AMPD1 is on the minus strand). VCF-style: chr1-114686902-C-T. GRCh37 (hg19) VCF-style: chr1-115229523-C-T.
Other names: c.212G>A, p.Arg71His (NM_001172626.2); short protein forms R108H, R71H, R75H.
Identifiers: ClinVar variation 166684 (VCV000166684.44), dbSNP rs61738827, ClinGen allele CA179741.

ClinVar aggregate classification (germline): Benign/Likely benign. Review status: criteria provided, multiple submitters, no conflicts (2 of 4 stars). 6 submissions from 6 submitters: Benign (4); Likely benign (1). 1 of the submissions does not count toward it. Last evaluated 2026-06-01.

Conditions:
AMPD1-related disorder. Also called: AMPD1-related condition.
Muscle AMP deaminase deficiency (MMDD). Also called: Myoadenylate deaminase deficiency, myopathy due to; ADENOSINE MONOPHOSPHATE DEAMINASE-1 DEFICIENCY, MYOPATHY DUE TO; AMPD1 DEFICIENCY; Adenosine monophosphate deaminase 1 deficiency; AMP deaminase 1 deficiency; Adenosine Monophosphate Deaminase 1. Identifiers: Orphanet 45, MedGen C3714933, MONDO:0014220, OMIM 615511.

Allele frequency attached by ClinVar (database versions not stated): ESP Exome Variant Server 0.00292; 1000 Genomes Project 30x 0.00468; TOPMed 0.00295; 1000 Genomes Project 0.00479.
gnomAD v4.1: 6,129 of 1,614,150 alleles (0.38%); highest among the groups gnomAD compares: Middle Eastern, 1.6%; 47 homozygotes.

Submissions (6):

CeGaT Center for Human Genetics Tuebingen
Classification: Benign. Last evaluated: 2026-06-01. Review status: criteria provided, single submitter. Criteria: CeGaT Center For Human Genetics Tuebingen Variant Classification Criteria Version 2. Collection method: clinical testing. Allele origin: germline. Affected: yes. Observed: 7 variant alleles.
Comment: AMPD1: BP4, BS1, BS2

Labcorp Genetics (formerly Invitae), Labcorp
Classification: Benign for Muscle AMP deaminase deficiency. Last evaluated: 2026-02-02. Review status: criteria provided, single submitter. Criteria: Invitae Variant Classification Sherloc (09022015). Collection method: clinical testing. Allele origin: germline.

Genomic Medicine Center of Excellence, King Faisal Specialist Hospital and Research Centre
Classification: Likely benign. Last evaluated: 2025-08-18. Review status: criteria provided, single submitter. Criteria: ACMG Guidelines, 2015. Collection method: clinical testing. Allele origin: germline.

Eurofins Ntd Llc (ga)
Classification: Benign. Last evaluated: 2015-02-19. Review status: criteria provided, single submitter. Criteria: EGL Classification Definitions 2015. Collection method: clinical testing. Allele origin: germline. Observed: 4 variant alleles, 4 heterozygotes.

Breakthrough Genomics
Classification: Benign. Review status: criteria provided, single submitter. Criteria: ACMG Guidelines, 2015. Collection method: not provided. Allele origin: germline. Inheritance: Autosomal recessive inheritance. Affected: yes.

PreventionGenetics, part of Exact Sciences
Classification: Benign for AMPD1-related condition. Last evaluated: 2022-03-02. Review status: no assertion criteria provided. Collection method: clinical testing. Allele origin: germline. Not counted in ClinVar's aggregate classification.
Comment: This variant is classified as benign based on ACMG/AMP sequence variant interpretation guidelines (Richards et al. 2015 PMID: 25741868, with internal and published modifications).